The following is an entry in ClinVar:

NM_032816.5(CEP89):c.2198G>A (p.Arg733Gln)

Gene: CEP89 (centrosomal protein 89; minus strand). Cytogenetic location: 19q13.11.
Variant type: single nucleotide variant.
Coding change: c.2198G>A on transcript NM_032816.5 (MANE Select); coding-DNA position 2198, G replaced by A.
Protein change: p.Arg733Gln; replaces arginine 733 with glutamine.
Molecular consequence: missense variant.
Genome position (GRCh38, 1-based): chr19:32,879,316, C>T on the plus strand (G>A on the coding strand, the complement: CEP89 is on the minus strand). VCF-style: chr19-32879316-C-T. GRCh37 (hg19) VCF-style: chr19-33370222-C-T.
Other names: short protein forms R733Q.
Identifiers: ClinVar variation 4804135 (VCV004804135.1).

ClinVar aggregate classification (germline): Uncertain significance (1 of 4 stars; one submission).

Submission:

Labcorp Genetics (formerly Invitae), Labcorp
Classification: Uncertain significance. Last evaluated: 2025-09-22. Review status: criteria provided, single submitter. Criteria: Invitae Variant Classification Sherloc (09022015). Collection method: clinical testing. Allele origin: germline.
Comment: This sequence change replaces arginine, which is basic and polar, with glutamine, which is neutral and polar, at codon 733 of the CEP89 protein (p.Arg733Gln). This variant is present in population databases (rs141423846, gnomAD 0.02%). This variant has not been reported in the literature in individuals affected with CEP89-related conditions. An algorithm developed to predict the effect of missense changes on protein structure and function (PolyPhen-2) suggests that this variant is likely to be disruptive. In summary, the available evidence is currently insufficient to determine the role of this variant in disease. Therefore, it has been classified as a Variant of Uncertain Significance.